The following is an entry in ClinVar:

NM_030912.3(TRIM8):c.32A>T (p.Glu11Val)

Gene: TRIM8 (tripartite motif containing 8; plus strand). Cytogenetic location: 10q24.32.
Variant type: single nucleotide variant.
Coding change: c.32A>T on transcript NM_030912.3 (MANE Select); coding-DNA position 32, A replaced by T.
Protein change: p.Glu11Val; replaces glutamic acid 11 with valine.
Molecular consequence: missense variant. On other transcripts: non-coding transcript variant (1).
Genome position (GRCh38, 1-based): chr10:102,644,649, A>T. VCF-style: chr10-102644649-A-T. GRCh37 (hg19) VCF-style: chr10-104404406-A-T.
Other names: c.32A>T, p.Glu11Val (NM_001345950.1); short protein forms E11V.
Identifiers: ClinVar variation 2859125 (VCV002859125.3), dbSNP rs2492887093, ClinGen allele CA377923784.
Genomic context (GRCh38, chr10:102,644,649, plus strand): 5'-CCTGCCCCGGCCCCCTGCCCGCGGCCGCCATGGCGGAGAATTGGAAGAACTGCTTCGAGG[A>T]GGAGCTCATCTGCCCTATCTGCCTGCACGTTTTCGTGGAGCCAGTGCAGCTGCCGTGCAA-3'
Protein context (NP_112174.2, residues 1-21): MAENWKNCFE[Glu11Val]ELICPICLHV

ClinVar aggregate classification (germline): Uncertain significance (1 of 4 stars; one submission).

Submission:

Labcorp Genetics (formerly Invitae), Labcorp
Classification: Uncertain significance. Last evaluated: 2023-04-25. Review status: criteria provided, single submitter. Criteria: Invitae Variant Classification Sherloc (09022015). Collection method: clinical testing. Allele origin: germline.
Comment: This sequence change replaces glutamic acid, which is acidic and polar, with valine, which is neutral and non-polar, at codon 11 of the TRIM8 protein (p.Glu11Val). This variant is not present in population databases (gnomAD no frequency). This variant has not been reported in the literature in individuals affected with TRIM8-related conditions. An algorithm developed to predict the effect of missense changes on protein structure and function (PolyPhen-2) suggests that this variant is likely to be disruptive. In summary, the available evidence is currently insufficient to determine the role of this variant in disease. Therefore, it has been classified as a Variant of Uncertain Significance.